The following is an entry in ClinVar:

NM_000369.5(TSHR):c.497del (p.Thr165_Ser166insTer)

Genes: TSHR (thyroid stimulating hormone receptor; plus strand), TSHR-AS1 (TSHR antisense RNA 1; minus strand). Cytogenetic location: 14q31.1.
Variant type: Deletion.
Coding change: c.497del on transcript NM_000369.5 (MANE Select); coding-DNA position 497, one base deleted (C; older notation c.497delC).
Protein change: p.Thr165_Ser166insTer.
Molecular consequence: nonsense.
Genome position (GRCh38, 1-based): chr14:81,092,560, C deleted. VCF-style (leftmost placement, unchanged base first): chr14-81092559-TC-T. GRCh37 (hg19) VCF-style: chr14-81558903-TC-T.
Other names: c.497del, p.Thr165_Ser166insTer (NM_001018036.3, NM_001142626.3).
Identifiers: ClinVar variation 4812824 (VCV004812824.2).
Genomic context (GRCh38, chr14:81,092,559, plus strand): 5'-TCATTAAGTGTTTTTGTCCCTCTCTCTTGCAGTGAAATTACAGACAACCCTTACATGACG[TC>T]AATCCCTGTGAATGCTTTTCAGGGACTATGCAATGAAACCTTGACACTGTGAGTATTACC-3'

ClinVar aggregate classification (germline): Pathogenic/Likely pathogenic. Review status: criteria provided, multiple submitters, no conflicts (2 of 4 stars). 2 submissions from 2 submitters: Pathogenic (1); Likely pathogenic (1). Last evaluated 2026-08-06.

Conditions:
Familial hyperthyroidism due to mutations in TSH receptor. Also called: TOXIC THYROID HYPERPLASIA, AUTOSOMAL DOMINANT; HYPERTHYROIDISM, CONGENITAL NONAUTOIMMUNE; HYPERTHYROIDISM, NONAUTOIMMUNE, AUTOSOMAL DOMINANT. Identifiers: Orphanet 424, MedGen C1836706, MONDO:0012203, OMIM 609152.
Congenital hypothyroidism. Identifiers: Orphanet 442, MedGen C0010308, MONDO:0018612, HP:0000851.

Submissions (2):

OLLIN Analises Genomicas, OLLIN
Classification: Likely pathogenic for Familial hyperthyroidism due to mutations in TSH receptor. Last evaluated: 2026-08-06. Review status: criteria provided, single submitter. Criteria: ACMG Guidelines 2015 PMID 25741868. Collection method: clinical testing. Allele origin: germline.
Comment: This frameshift variant, located in exon 6 (of 10), is absent from gnomAD and has not been identified in the literature. However, it has been reported in ClinVar (accession VCV004812824.1). This variant causes a frameshift and introduces a premature stop codon, which is predicted to result in either a truncated protein or degradation of the mRNA via nonsense-mediated decay (NMD). According to the currently available evidence, this variant has been classified as likely pathogenic (PVS1, PM2_P).

Cambridge Genomics Laboratory, East Genomic Laboratory Hub, NHS Genomic Medicine Service
Classification: Pathogenic for Congenital hypothyroidism. Last evaluated: 2024-02-29. Review status: criteria provided, single submitter. Criteria: ACGS Best Practice Guidelines for Variant Classification in Rare Disease 2020. Collection method: clinical testing. Allele origin: germline. Affected: yes.
Comment: The p.Ser166Ter variant is novel (not in any individuals) in gnomAD All. The p.Ser166Ter variant is novel (not in any individuals) in 1kG All. The p.Ser166Ter variant is novel (not in any individuals) in gnomAD Genomes v3 All. (PM2 - Moderate) | This variant is a frameshift variant which occurs in an exon of TSHR upstream of where nonsense mediated decay is predicted to occur. There are 5 downstream pathogenic loss of function variants, with the furthest variant being 489 residues downstream of this variant. This indicates that the region is critical to protein function. The p.Ser166Ter variant is a loss of function variant in the gene TSHR, which is intolerant of Loss of Function variants, as indicated by the presence of existing pathogenic loss of function variant NP_000360.2:p.Y613*. (PVS1 - Very Strong) | The patient's phenotype or family history is highly specific for a disease with a single genetic etiology. (PP4 - Supporting)